The following is an entry in ClinVar:

ClinVar aggregate classification (germline): Pathogenic (1 of 4 stars; one submission).

Submission:

Labcorp Genetics (formerly Invitae), Labcorp
Classification: Pathogenic. Last evaluated: 2023-11-15. Review status: criteria provided, single submitter. Criteria: Invitae Variant Classification Sherloc (09022015). Collection method: clinical testing. Allele origin: germline.
Comment: This sequence change creates a premature translational stop signal (p.Gln786*) in the DRP2 gene. It is expected to result in an absent or disrupted protein product. Loss-of-function variants in DRP2 are known to be pathogenic (PMID: 22764250, 26227883). This variant is not present in population databases (gnomAD no frequency). This variant has not been reported in the literature in individuals affected with DRP2-related conditions. For these reasons, this variant has been classified as Pathogenic.

Literature cited by the submitters: PubMed 22764250; PubMed 26227883.

NM_001939.3(DRP2):c.2356C>T (p.Gln786Ter)

Gene: DRP2 (dystrophin related protein 2; plus strand). Cytogenetic location: Xq22.1.
Variant type: single nucleotide variant.
Coding change: c.2356C>T on transcript NM_001939.3 (MANE Select); coding-DNA position 2356, C replaced by T.
Protein change: p.Gln786Ter; replaces glutamine 786 with a stop codon.
Molecular consequence: nonsense.
Genome position (GRCh38, 1-based): chrX:101,256,227, C>T. VCF-style: chrX-101256227-C-T. GRCh37 (hg19) VCF-style: chrX-100511216-C-T.
Other names: c.2122C>T, p.Gln708Ter (NM_001171184.2); short protein forms Q708*, Q786*.
Identifiers: ClinVar variation 2696145 (VCV002696145.3), dbSNP rs2520291370, ClinGen allele CA413909258.